The following is an entry in ClinVar:

NM_022124.6(CDH23):c.7018C>A (p.Pro2340Thr)

Gene: CDH23 (cadherin related 23; plus strand). Cytogenetic location: 10q22.1.
Variant type: single nucleotide variant.
Coding change: c.7018C>A on transcript NM_022124.6 (MANE Select); coding-DNA position 7018, C replaced by A.
Protein change: p.Pro2340Thr; replaces proline 2340 with threonine.
Molecular consequence: missense variant.
Genome position (GRCh38, 1-based): chr10:71,798,542, C>A. VCF-style: chr10-71798542-C-A. GRCh37 (hg19) VCF-style: chr10-73558299-C-A.
Other names: c.298C>A, p.Pro100Thr (NM_001171933.1, NM_001171934.1); short protein forms P100T, P2340T.
Identifiers: ClinVar variation 4802629 (VCV004802629.1).

ClinVar aggregate classification (germline): Uncertain significance (1 of 4 stars; one submission).

Submission:

Labcorp Genetics (formerly Invitae), Labcorp
Classification: Uncertain significance. Last evaluated: 2026-01-22. Review status: criteria provided, single submitter. Criteria: Invitae Variant Classification Sherloc (09022015). Collection method: clinical testing. Allele origin: germline.
Comment: This sequence change replaces proline, which is neutral and non-polar, with threonine, which is neutral and polar, at codon 2340 of the CDH23 protein (p.Pro2340Thr). This variant is not present in population databases (gnomAD no frequency). This variant has not been reported in the literature in individuals affected with CDH23-related conditions. Invitae Evidence Modeling of protein sequence and biophysical properties (such as structural, functional, and spatial information, amino acid conservation, physicochemical variation, residue mobility, and thermodynamic stability) has been performed for this missense variant. However, the output from this modeling did not meet the statistical confidence thresholds required to predict the impact of this variant on CDH23 protein function. In summary, the available evidence is currently insufficient to determine the role of this variant in disease. Therefore, it has been classified as a Variant of Uncertain Significance.